The following is an entry in ClinVar:

ClinVar aggregate classification (germline): Uncertain significance. Review status: criteria provided, multiple submitters, no conflicts (2 of 4 stars). 2 submissions from 2 submitters: Uncertain significance (2). Last evaluated 2025-11-13.

Conditions:
Hereditary cancer-predisposing syndrome. Also called: Tumor predisposition; Hereditary Cancer Syndrome; Hereditary neoplastic syndrome; Neoplastic Syndromes, Hereditary. Identifiers: Orphanet 140162, MedGen C0027672, MeSH D009386, MONDO:0015356.
Hereditary pheochromocytoma and paraganglioma. Also called: Hereditary paragangliomas and pheochromocytomas; Hereditary Paraganglioma-Pheochromocytoma Syndromes; Hereditary pheochromocytoma-paraganglioma. Identifiers: Orphanet 29072, MedGen C4274332, MONDO:0017366.

Allele frequency attached by ClinVar (database versions not stated): TOPMed below 0.00001.

Submissions (2):

Labcorp Genetics (formerly Invitae), Labcorp
Classification: Uncertain significance for Hereditary pheochromocytoma and paraganglioma. Last evaluated: 2025-11-13. Review status: criteria provided, single submitter. Criteria: Invitae Variant Classification Sherloc (09022015). Collection method: clinical testing. Allele origin: germline.
Comment: This sequence change replaces serine, which is neutral and polar, with phenylalanine, which is neutral and non-polar, at codon 69 of the TMEM127 protein (p.Ser69Phe). This variant is not present in population databases (gnomAD no frequency). This variant has not been reported in the literature in individuals affected with TMEM127-related conditions. ClinVar contains an entry for this variant (Variation ID: 1785349). An algorithm developed to predict the effect of missense changes on protein structure and function (PolyPhen-2) suggests that this variant is likely to be tolerated. In summary, the available evidence is currently insufficient to determine the role of this variant in disease. Therefore, it has been classified as a Variant of Uncertain Significance.

Ambry Genetics
Classification: Uncertain significance for Hereditary cancer-predisposing syndrome. Last evaluated: 2025-08-23. Review status: criteria provided, single submitter. Criteria: Ambry Variant Classification Scheme 2023. Collection method: clinical testing. Allele origin: germline.
Comment: The p.S69F variant (also known as c.206C>T), located in coding exon 1 of the TMEM127 gene, results from a C to T substitution at nucleotide position 206. The serine at codon 69 is replaced by phenylalanine, an amino acid with highly dissimilar properties. This amino acid position is not well conserved in available vertebrate species. In addition, the in silico prediction for this alteration is inconclusive. Since supporting evidence is limited at this time, the clinical significance of this alteration remains unclear.

NM_017849.4(TMEM127):c.206C>T (p.Ser69Phe)

Gene: TMEM127 (transmembrane protein 127; minus strand). Cytogenetic location: 2q11.2.
Variant type: single nucleotide variant.
Coding change: c.206C>T on transcript NM_017849.4 (MANE Select); coding-DNA position 206, C replaced by T.
Protein change: p.Ser69Phe; replaces serine 69 with phenylalanine.
Molecular consequence: missense variant.
Genome position (GRCh38, 1-based): chr2:96,265,176, G>A on the plus strand (C>T on the coding strand, the complement: TMEM127 is on the minus strand). VCF-style: chr2-96265176-G-A. GRCh37 (hg19) VCF-style: chr2-96930914-G-A.
Other names: c.206C>T, p.Ser69Phe (NM_001193304.3); short protein forms S69F.
Identifiers: ClinVar variation 1785349 (VCV001785349.4), dbSNP rs1189282662, ClinGen allele CA347655898.
Genomic context (GRCh38, chr2:96,265,176, plus strand): 5'-GGCCAGCGCGCAGCACCCTCACCTTTCAGCAGGTCCGGGTGCACATAGCCCAACACGTCG[G>A]AGACCCCCAGCTCCTGGCGCGAACAGGTGCCTCCGTGGATGTGCAACCAGGCGGGCTCGG-3'
Protein context (NP_060319.1, residues 59-79): GTCSRQELGV[Ser69Phe]DVLGYVHPDL